The following is an entry in ClinVar:

NM_003072.5(SMARCA4):c.762T>C (p.Gly254=)

Gene: SMARCA4 (SWI/SNF related BAF chromatin remodeling complex subunit ATPase 4; plus strand). Cytogenetic location: 19p13.2.
Variant type: single nucleotide variant.
Coding change: c.762T>C on transcript NM_003072.5 (MANE Select); coding-DNA position 762, T replaced by C.
Protein change: p.Gly254=; no amino-acid change (glycine 254 retained).
Molecular consequence: synonymous variant. On other transcripts: non-coding transcript variant (1).
Genome position (GRCh38, 1-based): chr19:10,986,906, T>C. VCF-style: chr19-10986906-T-C. GRCh37 (hg19) VCF-style: chr19-11097582-T-C.
Other names: c.762T>C, p.Gly254= (NM_001128844.3, NM_001128845.2, NM_001128846.2 and 5 more transcripts).
Identifiers: ClinVar variation 238520 (VCV000238520.20), dbSNP rs376219601, ClinGen allele CA9203574.
Genomic context (GRCh38, chr19:10,986,906, plus strand): 5'-TGGGCGCAGGCATAAACCTGGGACGCACTGTTTTCTCTTTTGTTTCTCCCTACATGTAGG[T>C]ATGGGAGGGCCCAACATGCCTCCCCCAGGACCCTCGGGCGTGCCCCCCGGGATGCCAGGC-3'
Protein context (NP_003063.2, residues 244-264): PAPPNYSRPH[Gly254=]MGGPNMPPPG

ClinVar aggregate classification (germline): Conflicting classifications of pathogenicity. Review status: criteria provided, conflicting classifications (1 of 4 stars). 5 submissions from 5 submitters: Uncertain significance (2); Benign (1); Likely benign (2). Last evaluated 2026-07-09.

Conditions:
Hereditary cancer-predisposing syndrome. Also called: Hereditary Cancer Syndrome; Tumor predisposition; Hereditary neoplastic syndrome; Neoplastic Syndromes, Hereditary. Identifiers: Orphanet 140162, MedGen C0027672, MeSH D009386, MONDO:0015356.
Intellectual disability, autosomal dominant 16 (CSS4). Also called: COFFIN-SIRIS SYNDROME 4. Identifiers: Orphanet 1465, MedGen C3553249, MONDO:0013821, OMIM 614609.
Rhabdoid tumor predisposition syndrome 2 (RTPS2). Identifiers: Orphanet 231108, Orphanet 69077, MedGen C2750074, MONDO:0013224, OMIM 613325.

Allele frequency attached by ClinVar (database versions not stated): ESP Exome Variant Server 0.00015; gnomAD exomes 0.00001 and 0.00003; gnomAD 0.00003 and 0.00004; TOPMed 0.00003; ExAC 0.00001.
gnomAD v4.1: 54 of 1,609,458 alleles (0.0034%); highest among the groups gnomAD compares: Non-Finnish European, 0.0044%; no homozygotes.

Submissions (5):

Myriad Genetics, Inc.
Classification: Benign for Rhabdoid tumor predisposition syndrome 2. Last evaluated: 2026-07-09. Review status: criteria provided, single submitter. Criteria: Myriad Autosomal Dominant, Autosomal Recessive and X-Linked Classification Criteria (2023). Collection method: clinical testing. Allele origin: unknown.
Comment: This variant is considered benign. This variant is a silent/synonymous amino acid change and it is not expected to impact splicing.

Labcorp Genetics (formerly Invitae), Labcorp
Classification: Likely benign for Rhabdoid tumor predisposition syndrome 2. Last evaluated: 2025-12-17. Review status: criteria provided, single submitter. Criteria: Invitae Variant Classification Sherloc (09022015). Collection method: clinical testing. Allele origin: germline.

Genome-Nilou Lab
Classification: Uncertain significance for Intellectual disability, autosomal dominant 16. Last evaluated: 2021-07-15. Review status: criteria provided, single submitter. Criteria: ACMG Guidelines, 2015. Collection method: clinical testing. Allele origin: germline. Affected: no.

GeneDx
Classification: Uncertain significance. Last evaluated: 2017-08-22. Review status: criteria provided, single submitter. Criteria: GeneDx Variant Classification Process June 2021. Collection method: clinical testing. Allele origin: germline. Affected: yes.
Comment: Not observed at a significant frequency in large population cohorts (Lek 2016); Has not been previously published as pathogenic or benign to our knowledge; In-silico analysis is inconclusive as to whether the variant alters gene splicing. In the absence of RNA/functional studies, the actual effect of this sequence change is unknown

Ambry Genetics
Classification: Likely benign for Hereditary cancer-predisposing syndrome. Last evaluated: 2016-05-13. Review status: criteria provided, single submitter. Criteria: Ambry Variant Classification Scheme 2023. Collection method: clinical testing. Allele origin: germline.